The following is an entry in ClinVar:

ClinVar aggregate classification (germline): Uncertain significance (1 of 4 stars; one submission).

Allele frequency attached by ClinVar (database versions not stated): gnomAD exomes below 0.00001; ExAC 0.00001.
gnomAD v4.1: 1 of 1,537,888 alleles (0.000065%); highest among the groups gnomAD compares: South Asian, 0.0011%; no homozygotes.

Submission:

Labcorp Genetics (formerly Invitae), Labcorp
Classification: Uncertain significance. Last evaluated: 2023-04-09. Review status: criteria provided, single submitter. Criteria: Invitae Variant Classification Sherloc (09022015). Collection method: clinical testing. Allele origin: germline.
Comment: In summary, the available evidence is currently insufficient to determine the role of this variant in disease. Therefore, it has been classified as a Variant of Uncertain Significance. Variants that disrupt the consensus splice site are a relatively common cause of aberrant splicing (PMID: 17576681, 9536098). Algorithms developed to predict the effect of sequence changes on RNA splicing suggest that this variant is not likely to affect RNA splicing. This variant has not been reported in the literature in individuals affected with LAMB1-related conditions. This variant is present in population databases (rs772899456, gnomAD 0.0009%). This sequence change falls in intron 12 of the LAMB1 gene. It does not directly change the encoded amino acid sequence of the LAMB1 protein. It affects a nucleotide within the consensus splice site.

Literature cited by the submitters: PubMed 17576681; PubMed 9536098.

NM_002291.3(LAMB1):c.1482+5G>A

Gene: LAMB1 (laminin subunit beta 1; minus strand). Cytogenetic location: 7q31.1.
Variant type: single nucleotide variant.
Coding change: c.1482+5G>A on transcript NM_002291.3 (MANE Select); 5 bases into the intron after coding-DNA position 1482, G replaced by A.
Molecular consequence: intron variant.
Genome position (GRCh38, 1-based): chr7:107,974,981, C>T on the plus strand (G>A on the coding strand, the complement: LAMB1 is on the minus strand). VCF-style: chr7-107974981-C-T. GRCh37 (hg19) VCF-style: chr7-107615426-C-T.
Identifiers: ClinVar variation 2851558 (VCV002851558.3), dbSNP rs772899456, ClinGen allele CA4436018.